The following is an entry in ClinVar:

NM_000179.3(MSH6):c.2284G>T (p.Val762Phe)

Gene: MSH6 (mutS homolog 6; plus strand). Cytogenetic location: 2p16.3.
Variant type: single nucleotide variant.
Coding change: c.2284G>T on transcript NM_000179.3 (MANE Select); coding-DNA position 2284, G replaced by T.
Protein change: p.Val762Phe; replaces valine 762 with phenylalanine.
Molecular consequence: missense variant. On other transcripts: non-coding transcript variant (5), intron variant (2).
Genome position (GRCh38, 1-based): chr2:47,800,267, G>T. VCF-style: chr2-47800267-G-T. GRCh37 (hg19) VCF-style: chr2-48027406-G-T.
Other names: c.1378G>T, p.Val460Phe (NM_001281494.2, NM_001281493.2, NM_001406811.1 and 6 more transcripts); c.2380G>T, p.Val794Phe (NM_001406795.1, NM_001406802.1); c.2284G>T, p.Val762Phe (NM_001406796.1, NM_001406798.1, NM_001406803.1 and 3 more transcripts); c.1987G>T, p.Val663Phe (NM_001406797.1, NM_001406805.1, NM_001406801.1 and 10 more transcripts); c.1759G>T, p.Val587Phe (NM_001406799.1, NM_001406806.1, NM_001406807.1); c.2206G>T, p.Val736Phe (NM_001406804.1); c.1894G>T, p.Val632Phe (NM_001281492.2); c.2290G>T, p.Val764Phe (NM_001406813.1); and 3 more; short protein forms V663F, V587F, V706F, V762F, V794F, V460F, V632F, V736F.
Identifiers: ClinVar variation 3296408 (VCV003296408.1).

ClinVar aggregate classification (germline): Uncertain significance (1 of 4 stars; one submission).

Conditions:
Hereditary cancer-predisposing syndrome. Also called: Tumor predisposition; Hereditary Cancer Syndrome; Hereditary neoplastic syndrome; Neoplastic Syndromes, Hereditary. Identifiers: Orphanet 140162, MedGen C0027672, MeSH D009386, MONDO:0015356.

Submission:

Ambry Genetics
Classification: Uncertain significance for Hereditary cancer-predisposing syndrome. Last evaluated: 2024-05-25. Review status: criteria provided, single submitter. Criteria: Ambry Variant Classification Scheme 2023. Collection method: clinical testing. Allele origin: germline.
Comment: The p.V762F variant (also known as c.2284G>T), located in coding exon 4 of the MSH6 gene, results from a G to T substitution at nucleotide position 2284. The valine at codon 762 is replaced by phenylalanine, an amino acid with highly similar properties. This amino acid position is conserved. In addition, the in silico prediction for this alteration is inconclusive. Based on the available evidence, the clinical significance of this variant remains unclear.